The following is an entry in ClinVar:

NM_001035.3(RYR2):c.2203+13C>T

Gene: RYR2 (ryanodine receptor 2; plus strand). Cytogenetic location: 1q43.
Variant type: single nucleotide variant.
Coding change: c.2203+13C>T on transcript NM_001035.3 (MANE Select); 13 bases into the intron after coding-DNA position 2203, C replaced by T.
Molecular consequence: intron variant.
Genome position (GRCh38, 1-based): chr1:237,496,765, C>T. VCF-style: chr1-237496765-C-T. GRCh37 (hg19) VCF-style: chr1-237660065-C-T.
Other names: c.2203+13C>T (LRG_402t1).
Identifiers: ClinVar variation 386224 (VCV000386224.11), dbSNP rs183060058, ClinGen allele CA085969.
Genomic context (GRCh38, chr1:237,496,765, plus strand): 5'-GAGATGATCTCTTCTCCTATGGATTTGATGGCCTTCATCTCTGGTCAGGTACGTACTATC[C>T]ATTTTCTTTCACCGTGTTCCAGAAGATCTTTTGCTGGGCATTTCTGAAAGCTATTGGTGC-3'

ClinVar aggregate classification (germline): Likely benign. Review status: criteria provided, multiple submitters, no conflicts (2 of 4 stars). 3 submissions from 3 submitters: Likely benign (3). Last evaluated 2025-12-24.

Conditions:
Catecholaminergic polymorphic ventricular tachycardia 1. Also called: RYR2-Related Catecholaminergic Polymorphic Ventricular Tachycardia; VENTRICULAR TACHYCARDIA, STRESS-INDUCED POLYMORPHIC 1; VENTRICULAR TACHYCARDIA, CATECHOLAMINERGIC POLYMORPHIC, 1, WITH OR WITHOUT ATRIAL DYSFUNCTION AND/OR DILATED CARDIOMYOPATHY. Identifiers: Orphanet 3286, MedGen C1631597, MONDO:0011484, OMIM 604772.

Allele frequency attached by ClinVar (database versions not stated): gnomAD exomes 0.00002 and 0.00003; ExAC 0.00003; TOPMed 0.00005; gnomAD 0.00006 and 0.00008; 1000 Genomes Project 0.00040; 1000 Genomes Project 30x 0.00062.
gnomAD v4.1: 62 of 1,596,428 alleles (0.0039%); highest among the groups gnomAD compares: Middle Eastern, 0.034%; no homozygotes.

Submissions (3):

Labcorp Genetics (formerly Invitae), Labcorp
Classification: Likely benign for Catecholaminergic polymorphic ventricular tachycardia 1. Last evaluated: 2025-12-24. Review status: criteria provided, single submitter. Criteria: Invitae Variant Classification Sherloc (09022015). Collection method: clinical testing. Allele origin: germline.

Blueprint Genetics
Classification: Likely benign. Last evaluated: 2024-03-07. Review status: criteria provided, single submitter. Criteria: ACMG Guidelines, 2015. Collection method: clinical testing. Allele origin: germline.

GeneDx
Classification: Likely benign. Last evaluated: 2016-05-16. Review status: criteria provided, single submitter. Criteria: GeneDx Variant Classification (06012015). Collection method: clinical testing. Allele origin: germline. Affected: yes.
Comment: This variant is considered likely benign or benign based on one or more of the following criteria: it is a conservative change, it occurs at a poorly conserved position in the protein, it is predicted to be benign by multiple in silico algorithms, and/or has population frequency not consistent with disease.